The following is an entry in ClinVar:

NM_032447.5(FBN3):c.1226T>C (p.Ile409Thr)

Gene: FBN3 (fibrillin 3; minus strand). Cytogenetic location: 19p13.2.
Variant type: single nucleotide variant.
Coding change: c.1226T>C on transcript NM_032447.5 (MANE Select); coding-DNA position 1226, T replaced by C.
Protein change: p.Ile409Thr; replaces isoleucine 409 with threonine.
Molecular consequence: missense variant.
Genome position (GRCh38, 1-based): chr19:8,136,507, A>G on the plus strand (T>C on the coding strand, the complement: FBN3 is on the minus strand). VCF-style: chr19-8136507-A-G. GRCh37 (hg19) VCF-style: chr19-8201391-A-G.
Other names: c.1226T>C (NM_032447.3); c.1226T>C, p.Ile409Thr (NM_001321431.2); short protein forms I409T.
Identifiers: ClinVar variation 1409736 (VCV001409736.7), dbSNP rs369461017, ClinGen allele CA9153419.
Genomic context (GRCh38, chr19:8,136,507, plus strand): 5'-GAAGGCGTGGGCAGGCAGCGGCCATTCAGACACAGGTTGGTGAAGTGTCGGCAGATGTCA[A>G]TGGTCTGGTTCAGGGTAGCAGTGCCTACGGGTGGGGCCGGCAGAGGCATCTGAGCAGTGG-3'
Protein context (NP_115823.3, residues 399-419): NIGTATLNQT[Ile409Thr]DICRHFTNLC

ClinVar aggregate classification (germline): Uncertain significance. Review status: criteria provided, multiple submitters, no conflicts (2 of 4 stars). 2 submissions from 2 submitters: Uncertain significance (2). Last evaluated 2024-05-02.

Allele frequency attached by ClinVar (database versions not stated): gnomAD exomes 0.00003 and 0.00010; TOPMed 0.00003; gnomAD 0.00004 and 0.00005; ExAC 0.00010; ESP Exome Variant Server 0.00015.
gnomAD v4.1: 60 of 1,614,022 alleles (0.0037%); highest among the groups gnomAD compares: East Asian, 0.033%; no homozygotes.

Submissions (2):

Labcorp Genetics (formerly Invitae), Labcorp
Classification: Uncertain significance. Last evaluated: 2024-05-02. Review status: criteria provided, single submitter. Criteria: Invitae Variant Classification Sherloc (09022015). Collection method: clinical testing. Allele origin: germline.
Comment: This sequence change replaces isoleucine, which is neutral and non-polar, with threonine, which is neutral and polar, at codon 409 of the FBN3 protein (p.Ile409Thr). This variant is present in population databases (rs369461017, gnomAD 0.07%), and has an allele count higher than expected for a pathogenic variant. This variant has not been reported in the literature in individuals affected with FBN3-related conditions. ClinVar contains an entry for this variant (Variation ID: 1409736). Algorithms developed to predict the effect of missense changes on protein structure and function output the following: SIFT: "Not Available"; PolyPhen-2: "Benign"; Align-GVGD: "Not Available". The threonine amino acid residue is found in multiple mammalian species, which suggests that this missense change does not adversely affect protein function. In summary, the available evidence is currently insufficient to determine the role of this variant in disease. Therefore, it has been classified as a Variant of Uncertain Significance.

Ambry Genetics
Classification: Uncertain significance. Last evaluated: 2024-02-05. Review status: criteria provided, single submitter. Criteria: Ambry Variant Classification Scheme 2023. Collection method: clinical testing. Allele origin: germline.